The following is an entry in ClinVar:

NM_001853.4(COL9A3):c.1603+180G>A

Genes: COL9A3 (collagen type IX alpha 3 chain; plus strand), LOC126863084 (MED14-independent group 3 enhancer GRCh37_chr20:61467141-61468340; plus strand). Cytogenetic location: 20q13.33.
Variant type: single nucleotide variant.
Coding change: c.1603+180G>A on transcript NM_001853.4 (MANE Select); 180 bases into the intron after coding-DNA position 1603, G replaced by A.
Molecular consequence: intron variant.
Genome position (GRCh38, 1-based): chr20:62,836,712, G>A. VCF-style: chr20-62836712-G-A. GRCh37 (hg19) VCF-style: chr20-61468064-G-A.
Identifiers: ClinVar variation 678113 (VCV000678113.2), dbSNP rs2246689, ClinGen allele CA14781818.

ClinVar aggregate classification (germline): Benign. Review status: criteria provided, multiple submitters, no conflicts (2 of 4 stars). 2 submissions from 2 submitters: Benign (2). Last evaluated 2018-06-16.

Allele frequency attached by ClinVar (database versions not stated): 1000 Genomes Project 30x 0.60041; TOPMed 0.60821; 1000 Genomes Project 0.60843; gnomAD 0.62031 and 0.62823; gnomAD exomes 0.71601.

Submissions (2):

GeneDx
Classification: Benign. Last evaluated: 2018-06-16. Review status: criteria provided, single submitter. Criteria: GeneDx Variant Classification (06012015). Collection method: clinical testing. Allele origin: germline. Affected: yes.
Comment: This variant is considered likely benign or benign based on one or more of the following criteria: it is a conservative change, it occurs at a poorly conserved position in the protein, it is predicted to be benign by multiple in silico algorithms, and/or has population frequency not consistent with disease.

Breakthrough Genomics
Classification: Benign. Review status: criteria provided, single submitter. Criteria: ACMG Guidelines, 2015. Collection method: not provided. Allele origin: germline. Inheritance: Autosomal recessive inheritance. Affected: yes.